The following is an entry in ClinVar:

ClinVar aggregate classification (germline): Conflicting classifications of pathogenicity. Review status: criteria provided, conflicting classifications (1 of 4 stars). 5 submissions from 5 submitters: Uncertain significance (4); Likely benign (1). Last evaluated 2025-10-02.

Conditions:
Hematuria, benign familial, 1 (BFH1). Also called: THIN MEMBRANE NEPHROPATHY. Identifiers: MedGen CN376803, MONDO:0007709, OMIM 141200.
Autosomal recessive Alport syndrome (ATS2). Also called: COL4A3-Related Nephropathy; Alport syndrome type 2; ALPORT SYNDROME 2, AUTOSOMAL RECESSIVE; COL4A4 Alport Syndrome and Thin Basement Membrane Nephropathy. Identifiers: Orphanet 63, Orphanet 88919, MedGen C4746745, MONDO:0008762, OMIM 203780.
Inborn genetic diseases. Identifiers: MedGen C0950123, MeSH D030342.

Allele frequency attached by ClinVar (database versions not stated): ExAC 0.00001; gnomAD exomes 0.00001; gnomAD 0.00002; TOPMed 0.00003.
gnomAD v4.1: 14 of 1,614,052 alleles (0.00087%); highest among the groups gnomAD compares: African/African-American, 0.004%; no homozygotes.

Submissions (5):

Labcorp Genetics (formerly Invitae), Labcorp
Classification: Likely benign. Last evaluated: 2025-10-02. Review status: criteria provided, single submitter. Criteria: Invitae Variant Classification Sherloc (09022015). Collection method: clinical testing. Allele origin: germline.

Ambry Genetics
Classification: Uncertain significance for Inborn genetic diseases. Last evaluated: 2024-11-21. Review status: criteria provided, single submitter. Criteria: Ambry Variant Classification Scheme 2023. Collection method: clinical testing. Allele origin: germline.

Blueprint Genetics
Classification: Uncertain significance. Last evaluated: 2024-05-29. Review status: criteria provided, single submitter. Criteria: ACMG Guidelines, 2015. Collection method: clinical testing. Allele origin: germline.

Fulgent Genetics
Classification: Uncertain significance for Hematuria, benign familial, 1; Autosomal recessive Alport syndrome. Last evaluated: 2024-01-22. Review status: criteria provided, single submitter. Criteria: ACMG Guidelines, 2015. Collection method: clinical testing. Allele origin: germline.

GeneDx
Classification: Uncertain significance. Last evaluated: 2022-09-15. Review status: criteria provided, single submitter. Criteria: GeneDx Variant Classification Process June 2021. Collection method: clinical testing. Allele origin: germline. Affected: yes.
Comment: In silico analysis supports that this missense variant does not alter protein structure/function; Occurs in the triple helical domain at the Y position in the canonical Gly-X-Y repeat; although this variant may have an effect on normal protein folding and function, missense substitution at the Y position is not a common mechanism of disease; Has not been previously published as pathogenic or benign to our knowledge

NM_000092.5(COL4A4):c.1757A>G (p.His586Arg)

Gene: COL4A4 (collagen type IV alpha 4 chain; minus strand). Cytogenetic location: 2q36.3.
Variant type: single nucleotide variant.
Coding change: c.1757A>G on transcript NM_000092.5 (MANE Select); coding-DNA position 1757, A replaced by G.
Protein change: p.His586Arg; replaces histidine 586 with arginine.
Molecular consequence: missense variant.
Genome position (GRCh38, 1-based): chr2:227,080,489, T>C on the plus strand (A>G on the coding strand, the complement: COL4A4 is on the minus strand). VCF-style: chr2-227080489-T-C. GRCh37 (hg19) VCF-style: chr2-227945205-T-C.
Other names: short protein forms H586R.
Identifiers: ClinVar variation 1896975 (VCV001896975.9), dbSNP rs751744651, ClinGen allele CA2145072.